The following is an entry in ClinVar:

ClinVar aggregate classification (germline): Uncertain significance (1 of 4 stars; one submission).

Allele frequency attached by ClinVar (database versions not stated): TOPMed below 0.00001.

Submission:

Labcorp Genetics (formerly Invitae), Labcorp
Classification: Uncertain significance. Last evaluated: 2021-03-24. Review status: criteria provided, single submitter. Criteria: Invitae Variant Classification Sherloc (09022015). Collection method: clinical testing. Allele origin: germline.
Comment: This sequence change replaces glutamine with arginine at codon 418 of the KIF11 protein (p.Gln418Arg). The glutamine residue is highly conserved and there is a small physicochemical difference between glutamine and arginine. This variant is not present in population databases (ExAC no frequency). This variant has not been reported in the literature in individuals with KIF11-related conditions. Algorithms developed to predict the effect of missense changes on protein structure and function (SIFT, PolyPhen-2, Align-GVGD) all suggest that this variant is likely to be tolerated, but these predictions have not been confirmed by published functional studies and their clinical significance is uncertain. In summary, the available evidence is currently insufficient to determine the role of this variant in disease. Therefore, it has been classified as a Variant of Uncertain Significance.

NM_004523.4(KIF11):c.1253A>G (p.Gln418Arg)

Gene: KIF11 (kinesin family member 11; plus strand). Cytogenetic location: 10q23.33.
Variant type: single nucleotide variant.
Coding change: c.1253A>G on transcript NM_004523.4 (MANE Select); coding-DNA position 1253, A replaced by G.
Protein change: p.Gln418Arg; replaces glutamine 418 with arginine.
Molecular consequence: missense variant.
Genome position (GRCh38, 1-based): chr10:92,628,843, A>G. VCF-style: chr10-92628843-A-G. GRCh37 (hg19) VCF-style: chr10-94388600-A-G.
Other names: short protein forms Q418R.
Identifiers: ClinVar variation 1004772 (VCV001004772.8), dbSNP rs1003987590, ClinGen allele CA211509535.